The following is an entry in ClinVar:

NM_000203.5(IDUA):c.1276_1282dup (p.Gln428fs)

Gene: IDUA (alpha-L-iduronidase; plus strand). Cytogenetic location: 4p16.3.
Variant type: Duplication.
Coding change: c.1276_1282dup on transcript NM_000203.5 (MANE Select); coding-DNA positions 1276 to 1282, 7 bases duplicated (CGCCCCC; older notation c.1276_1282dupCGCCCCC).
Protein change: p.Gln428fs; shifts the reading frame from glutamine 428.
Molecular consequence: frameshift variant. On other transcripts: non-coding transcript variant (1).
Genome position (GRCh38, 1-based): chr4:1,002,818-1,002,824, CGCCCCC duplicated; duplicating any 7 consecutive bases within chr4:1,002,817-1,002,824 gives the same sequence; the c. name uses the placement nearest the transcript's 3' end. VCF-style (leftmost placement, unchanged base first): chr4-1002816-A-ACCGCCCC. GRCh37 (hg19) VCF-style: chr4-996604-A-ACCGCCCC.
Other names: c.880_886dup, p.Gln296fs (NM_001363576.1); c.1276_1282dup7 (NM_000203.4); short protein forms Q296fs, Q428fs.
Identifiers: ClinVar variation 557537 (VCV000557537.12), dbSNP rs1445719596, ClinGen allele CA658823292.

ClinVar aggregate classification (germline): Pathogenic. Review status: criteria provided, single submitter (1 of 4 stars). 3 submissions from 3 submitters: Pathogenic (1). 2 of the submissions do not count toward it. Last evaluated 2023-01-09.

Conditions:
IDUA-related disorder. Also called: IDUA-related condition.
Mucopolysaccharidosis type 1. Also called: Mucopolysaccharidosis Type I; IDUA deficiency; MPS I. Identifiers: Orphanet 579, MedGen C0023786, MONDO:0001586.
Hurler syndrome. Also called: Gargoylism, Hurler Syndrome; MUCOPOLYSACCHARIDOSIS TYPE IH; Severe MPS I (Hurler Syndrome). Identifiers: Orphanet 93473, MedGen C0086795, MONDO:0011758, OMIM 607014.

Submissions (3):

Labcorp Genetics (formerly Invitae), Labcorp
Classification: Pathogenic for Mucopolysaccharidosis type 1. Last evaluated: 2023-01-09. Review status: criteria provided, single submitter. Criteria: Invitae Variant Classification Sherloc (09022015). Collection method: clinical testing. Allele origin: germline.
Comment: For these reasons, this variant has been classified as Pathogenic. Algorithms developed to predict the effect of sequence changes on RNA splicing suggest that this variant may create or strengthen a splice site. ClinVar contains an entry for this variant (Variation ID: 557537). This variant has not been reported in the literature in individuals affected with IDUA-related conditions. This variant is not present in population databases (gnomAD no frequency). This sequence change creates a premature translational stop signal (p.Gln428Profs*83) in the IDUA gene. It is expected to result in an absent or disrupted protein product. Loss-of-function variants in IDUA are known to be pathogenic (PMID: 11735025, 21480867).

PreventionGenetics, part of Exact Sciences
Classification: Likely pathogenic for IDUA-related condition. Last evaluated: 2023-12-11. Review status: no assertion criteria provided. Collection method: clinical testing. Allele origin: germline. Not counted in ClinVar's aggregate classification.
Comment: The IDUA c.1276_1282dup7 variant is predicted to result in a frameshift and premature protein termination (p.Gln428Profs*83). To our knowledge, this variant has not been reported in the literature or in a large population database, indicating this variant is rare. Frameshift variants in IDUA are expected to be pathogenic. This variant is interpreted as likely pathogenic.

Counsyl
Classification: Likely pathogenic for Hurler syndrome. Last evaluated: 2018-03-29. Review status: no assertion criteria provided. Collection method: clinical testing. Allele origin: unknown. Not counted in ClinVar's aggregate classification.

Literature cited by the submitters: PubMed 11735025 (cited by Labcorp Genetics (formerly Invitae), Labcorp); PubMed 21480867 (cited by Labcorp Genetics (formerly Invitae), Labcorp).